The following is an entry in ClinVar:

NM_006570.5(RRAGA):c.540G>A (p.Leu180=)

Gene: RRAGA (Ras related GTP binding A; plus strand). Cytogenetic location: 9p22.1.
Variant type: single nucleotide variant.
Coding change: c.540G>A on transcript NM_006570.5 (MANE Select); coding-DNA position 540, G replaced by A.
Protein change: p.Leu180=; no amino-acid change (leucine 180 retained).
Molecular consequence: synonymous variant.
Genome position (GRCh38, 1-based): chr9:19,050,199, G>A. VCF-style: chr9-19050199-G-A. GRCh37 (hg19) VCF-style: chr9-19050197-G-A.
Identifiers: ClinVar variation 3698702 (VCV003698702.2).

ClinVar aggregate classification (germline): Uncertain significance (1 of 4 stars; one submission).

Submission:

Labcorp Genetics (formerly Invitae), Labcorp
Classification: Uncertain significance. Last evaluated: 2024-04-24. Review status: criteria provided, single submitter. Criteria: Invitae Variant Classification Sherloc (09022015). Collection method: clinical testing. Allele origin: germline.
Comment: This sequence change affects codon 180 of the RRAGA mRNA. It is a 'silent' change, meaning that it does not change the encoded amino acid sequence of the RRAGA protein. This variant is not present in population databases (gnomAD no frequency). This variant has not been reported in the literature in individuals affected with RRAGA-related conditions. In summary, the available evidence is currently insufficient to determine the role of this variant in disease. Therefore, it has been classified as a Variant of Uncertain Significance.